The following is an entry in ClinVar:

NM_001605.3(AARS1):c.1012A>G (p.Lys338Glu)

Gene: AARS1 (alanyl-tRNA synthetase 1; minus strand). Cytogenetic location: 16q22.1.
Variant type: single nucleotide variant.
Coding change: c.1012A>G on transcript NM_001605.3 (MANE Select); coding-DNA position 1012, A replaced by G.
Protein change: p.Lys338Glu; replaces lysine 338 with glutamic acid.
Molecular consequence: missense variant.
Genome position (GRCh38, 1-based): chr16:70,268,330, T>C on the plus strand (A>G on the coding strand, the complement: AARS1 is on the minus strand). VCF-style: chr16-70268330-T-C. GRCh37 (hg19) VCF-style: chr16-70302233-T-C.
Other names: short protein forms K338E.
Identifiers: ClinVar variation 846958 (VCV000846958.9), dbSNP rs1960315664, ClinGen allele CA396564204.
Genomic context (GRCh38, chr16:70,268,330, plus strand): 5'-CCAGGGACTGGACGACAACATCCACTAACGTAGCAAAGAAGCCCCTGCTGGCATTGAGCT[T>C]TTCATGGGCGTATCGGACAGCTCGGCGGAGAATCCGTCTCAACACATATCTGTAAGAGGC-3'
Protein context (NP_001596.2, residues 328-348): LRRAVRYAHE[Lys338Glu]LNASRGFFAT

ClinVar aggregate classification (germline): Uncertain significance (1 of 4 stars; one submission).

Conditions:
Charcot-Marie-Tooth disease type 2. Also called: Charcot-Marie-Tooth type 2. Identifiers: Orphanet 64746, MedGen C0270914, MONDO:0018993.

Allele frequency attached by ClinVar (database versions not stated): gnomAD exomes below 0.00001.

Submission:

Labcorp Genetics (formerly Invitae), Labcorp
Classification: Uncertain significance for Charcot-Marie-Tooth disease type 2. Last evaluated: 2019-12-19. Review status: criteria provided, single submitter. Criteria: Invitae Variant Classification Sherloc (09022015). Collection method: clinical testing. Allele origin: germline.
Comment: In summary, the available evidence is currently insufficient to determine the role of this variant in disease. Therefore, it has been classified as a Variant of Uncertain Significance. Algorithms developed to predict the effect of sequence changes on RNA splicing suggest that this variant may create or strengthen a splice site, but this prediction has not been confirmed by published transcriptional studies. Algorithms developed to predict the effect of missense changes on protein structure and function are either unavailable or do not agree on the potential impact of this missense change (SIFT: "Tolerated"; PolyPhen-2: "Probably Damaging"; Align-GVGD: "Class C0"). This variant has not been reported in the literature in individuals with AARS-related conditions. This variant is not present in population databases (ExAC no frequency). This sequence change replaces lysine with glutamic acid at codon 338 of the AARS protein (p.Lys338Glu). The lysine residue is highly conserved and there is a small physicochemical difference between lysine and glutamic acid.